The following is an entry in ClinVar:

NM_002907.4(RECQL):c.686A>T (p.His229Leu)

Gene: RECQL (RecQ like helicase; minus strand). Cytogenetic location: 12p12.1.
Variant type: single nucleotide variant.
Coding change: c.686A>T on transcript NM_002907.4 (MANE Select); coding-DNA position 686, A replaced by T.
Protein change: p.His229Leu; replaces histidine 229 with leucine.
Molecular consequence: missense variant.
Genome position (GRCh38, 1-based): chr12:21,483,390, T>A on the plus strand (A>T on the coding strand, the complement: RECQL is on the minus strand). VCF-style: chr12-21483390-T-A. GRCh37 (hg19) VCF-style: chr12-21636324-T-A.
Other names: c.686A>T, p.His229Leu (NM_032941.3); short protein forms H229L.
Identifiers: ClinVar variation 1755877 (VCV001755877.3), dbSNP rs771743018, ClinGen allele CA233574426.

ClinVar aggregate classification (germline): Uncertain significance (1 of 4 stars; one submission).

Allele frequency attached by ClinVar (database versions not stated): TOPMed 0.00001.
gnomAD v4.1: 1 of 1,602,058 alleles (0.000062%); highest among the groups gnomAD compares: African/African-American, 0.0013%; no homozygotes.

Submission:

Ambry Genetics
Classification: Uncertain significance. Last evaluated: 2024-07-21. Review status: criteria provided, single submitter. Criteria: Ambry Variant Classification Scheme 2023. Collection method: clinical testing. Allele origin: germline.
Comment: The p.H229L variant (also known as c.686A>T), located in coding exon 5 of the RECQL gene, results from an A to T substitution at nucleotide position 686. The histidine at codon 229 is replaced by leucine, an amino acid with similar properties. This amino acid position is highly conserved in available vertebrate species. In addition, this alteration is predicted to be deleterious by in silico analysis. Since supporting evidence is limited at this time, the clinical significance of this alteration remains unclear.